The following is an entry in ClinVar:

ClinVar aggregate classification (germline): Uncertain significance (1 of 4 stars; one submission).

Submission:

Women's Health and Genetics/Laboratory Corporation of America, LabCorp
Classification: Uncertain significance. Last evaluated: 2023-06-26. Review status: criteria provided, single submitter. Criteria: LabCorp Variant Classification Summary - May 2015. Collection method: clinical testing. Allele origin: germline.
Comment: Variant summary: GALK1 c.1108_1110delGAG (p.Glu370del) results in an in-frame deletion that is predicted to remove one amino acid from the encoded protein. In addition, this variant disrupts the first three nucleotides of exon 8, and therefore can affect splicing. 4/4 computational tools predict no significant impact on normal splicing. However, these predictions have yet to be confirmed by functional studies. The variant was absent in 246980 control chromosomes (gnomAD). The available data on variant occurrences in the general population are insufficient to allow any conclusion about variant significance. To our knowledge, no occurrence of c.1108_1110delGAG in individuals affected with Deficiency Of Galactokinase and no experimental evidence demonstrating its impact on protein function have been reported. No submitters have cited clinical-significance assessments for this variant to ClinVar after 2014. Based on the evidence outlined above, the variant was classified as uncertain significance.

NM_000154.1(GALK1):c.1108_1110delGAG

Gene: GALK1 (galactokinase 1; minus strand). Cytogenetic location: 17q25.1.
Variant type: Deletion.
Coding change: c.1108_1110delGAG on transcript NM_000154.1; coding-DNA positions 1108 to 1110, 3 bases deleted (GAG).
Genome position (GRCh38, 1-based): chr17:75,758,125-75,758,127, CTC deleted on the plus strand (GAG on the coding strand, the reverse complement: GALK1 is on the minus strand); deleting any 3 consecutive bases within chr17:75,758,125-75,758,129 gives the same sequence; the c. name uses the placement nearest the transcript's 3' end. VCF-style (leftmost placement, unchanged base first): chr17-75758124-GCTC-G. GRCh37 (hg19) VCF-style: chr17-73754205-GCTC-G.
Identifiers: ClinVar variation 2573374 (VCV002573374.1), dbSNP rs2545899123, ClinGen allele CA2512879911.